The following is an entry in ClinVar:

ClinVar aggregate classification (germline): Pathogenic (1 of 4 stars; one submission).

Conditions:
Duchenne muscular dystrophy (DMD). Also called: Duchenne Muscular Dystrophy (DMD); MUSCULAR DYSTROPHY, PSEUDOHYPERTROPHIC PROGRESSIVE, DUCHENNE TYPE. Identifiers: Orphanet 98896, MedGen C0013264, MONDO:0010679, OMIM 310200.

Submission:

Labcorp Genetics (formerly Invitae), Labcorp
Classification: Pathogenic for Duchenne muscular dystrophy. Last evaluated: 2022-02-20. Review status: criteria provided, single submitter. Criteria: Invitae Variant Classification Sherloc (09022015). Collection method: clinical testing. Allele origin: germline.
Comment: For these reasons, this variant has been classified as Pathogenic. A similar copy number variant has been observed in individuals with Duchenne muscular dystrophy (PMID: 18653336, 26081009, 31705731). This variant is a gross deletion of the genomic region encompassing exon(s) 42-45 of the DMD gene. This deletion is out-of-frame, and is expected to create a premature termination codon and result in an absent or disrupted protein product. Loss-of-function variants in DMD are known to be pathogenic (PMID: 16770791, 25007885).

Literature cited by the submitters: PubMed 18653336; PubMed 26081009; PubMed 31705731; PubMed 16770791; PubMed 25007885.

NC_000023.10:g.(?_31983146)_(32328413_?)del

Gene: DMD (dystrophin; minus strand). Cytogenetic location: Xp21.1.
Variant type: Deletion.
Identifiers: ClinVar variation 2424912 (VCV002424912.5).